The following continues an entry in ClinVar:

NM_032043.3(BRIP1):c.2563C>T (p.Arg855Cys)

Gene: BRIP1. ClinVar aggregate classification (germline): Uncertain significance. Uncertain significance (13).

Submissions 9 to 14 of 14:

KCCC/NGS Laboratory, Kuwait Cancer Control Center
Classification: Uncertain significance for Familial cancer of breast. Last evaluated: 2023-07-07. Review status: criteria provided, single submitter. Criteria: ACMG Guidelines, 2015. Collection method: clinical testing. Allele origin: unknown. Affected: yes.
Comment: This sequence change replaces arginine with cysteine at codon 855 of the BRIP1 protein (p.Arg855Cys). The arginine residue is weakly conserved and there is a large physicochemical difference between arginine and cysteine. This variant is present in population databases (rs146031731, ExAC 0.02%). This variant has been observed in individuals with breast and/or ovarian cancer (PMID: 25186627, 26534844, Invitae). However, in one of these individuals, a pathogenic allele was also identified in BRIP1, which suggests that this c.2563C>T variant was not the primary cause of disease. Additionally, in one family, a pathogenic allele was also identified in BRCA2. This variant has also been observed in an unaffected control individual (PMID: 26315354). ClinVar contains an entry for this variant (Variation ID: 216789) with 8 submissions. In-silico predictions show pathogenic computational verdict based on 11 pathogenic predictions from BayesDel_addAF, DANN, DEOGEN2, EIGEN, FATHMM-MKL, LIST-S2, M-CAP, MVP, MutationAssessor, MutationTaster and SIFT vs 1 benign prediction from PrimateAI. Therefore, it has been classified as a Variant of Uncertain Significance.

Myriad Genetics, Inc.
Classification: Uncertain significance for Familial cancer of breast. Last evaluated: 2023-02-28. Review status: criteria provided, single submitter. Criteria: Myriad Autosomal Dominant, Autosomal Recessive and X-Linked Classification Criteria (2023). Collection method: clinical testing. Allele origin: unknown.
Comment: This variant is classified as a variant of uncertain significance as there is insufficient evidence to determine its impact on protein function and/or cancer risk.

Department of Pathology and Laboratory Medicine, Sinai Health System
Classification: Uncertain significance for familial ovarian cancer. Last evaluated: 2023-01-17. Review status: criteria provided, single submitter. Criteria: ACMG Guidelines, 2015. Collection method: clinical testing. Allele origin: germline. Affected: no.

ARUP Laboratories, Molecular Genetics and Genomics, ARUP Laboratories
Classification: Uncertain significance. Last evaluated: 2020-05-26. Review status: criteria provided, single submitter. Criteria: ARUP Molecular Germline Variant Investigation Process. Collection method: clinical testing. Allele origin: germline.
Comment: The BRIP1 c.2563C>T; p.Arg855Cys variant (rs146031731) is reported in the literature in an individual with breast cancer (Tung 2015), and in a family with breast/ovarian cancer, however, this family also carried a pathogenic frameshift variant in BRCA2 giving supporting evidence the BRIP1 variant may be benign (Li 2016). The p.Arg855Cys variant is also reported in the ClinVar database (Variation ID: 216789). It is found in the general population with an overall allele frequency of 0.002% (5/282696 alleles) in the Genome Aggregation Database. The arginine at codon 855 is weakly conserved, but computational analyses (SIFT, PolyPhen-2) predict that this variant may be deleterious. Based on available information, the clinical significance of this variant is uncertain at this time. REFERENCES Li J et al. Targeted massively parallel sequencing of a panel of putative breast cancer susceptibility genes in a large cohort of multiple-case breast and ovarian cancer families. J Med Genet. 2016 Jan;53(1):34-42. Tung N et al. Frequency of mutations in individuals with breast cancer referred for BRCA1 and BRCA2 testing using next-generation sequencing with a 25-gene panel. Cancer. 2015 Jan 1;121(1):25-33.

Mendelics
Classification: Uncertain significance for Fanconi anemia, complementation group J. Last evaluated: 2018-07-02. Review status: criteria provided, single submitter. Criteria: Mendelics Assertion Criteria 2017. Collection method: clinical testing. Allele origin: unknown.

Counsyl
Classification: Uncertain significance for Fanconi anemia complementation group J; Ovarian cancer. Last evaluated: 2016-12-27. Review status: no assertion criteria provided. Collection method: clinical testing. Allele origin: unknown. Not counted in ClinVar's aggregate classification.

Literature cited by the submitters: PubMed 25186627 (cited by 5 submitters); PubMed 26534844 (cited by 6 submitters); PubMed 32832836 (cited by Quest Diagnostics Nichols Institute San Juan Capistrano and Ambry Genetics); PubMed 26315354 (cited by 4 submitters); PubMed 33471991 (cited by Quest Diagnostics Nichols Institute San Juan Capistrano).